The following is an entry in ClinVar:

NM_001134407.3(GRIN2A):c.1497+6T>C

Gene: GRIN2A (glutamate ionotropic receptor NMDA type subunit 2A; minus strand). Cytogenetic location: 16p13.2.
Variant type: single nucleotide variant.
Coding change: c.1497+6T>C on transcript NM_001134407.3 (MANE Select); 6 bases into the intron after coding-DNA position 1497, T replaced by C.
Molecular consequence: intron variant.
Genome position (GRCh38, 1-based): chr16:9,840,930, A>G on the plus strand (T>C on the coding strand, the complement: GRIN2A is on the minus strand). VCF-style: chr16-9840930-A-G. GRCh37 (hg19) VCF-style: chr16-9934787-A-G.
Other names: c.1497+6T>C (NM_001134408.2, NM_000833.5).
Identifiers: ClinVar variation 3015925 (VCV003015925.3), dbSNP rs1416260718, ClinGen allele CA621178280.
Genomic context (GRCh38, chr16:9,840,930, plus strand): 5'-TAACATTCCTGAGGACTGCAGGCCCTTTGTCTGAGTAAGAGCCTAGGGGATGAAAAGATA[A>G]CTTACTTCACCGATCATTCCATTCCACACATTGTTAACTTTCTTGCCATGCTTCCCATTG-3'

ClinVar aggregate classification (germline): Uncertain significance (1 of 4 stars; one submission).

Conditions:
Landau-Kleffner syndrome (FESD). Also called: EPILEPSY, FOCAL, WITH SPEECH DISORDER AND WITH OR WITHOUT MENTAL RETARDATION; APHASIA, ACQUIRED, WITH EPILEPSY. Identifiers: Orphanet 1945, Orphanet 725, Orphanet 98818, MedGen C0282512, MONDO:0009509, OMIM 245570.

Allele frequency attached by ClinVar (database versions not stated): gnomAD exomes below 0.00001; TOPMed below 0.00001.
gnomAD v4.1: 1 of 1,613,654 alleles (0.000062%); highest among the groups gnomAD compares: Admixed American, 0.0017%; no homozygotes.

Submission:

Labcorp Genetics (formerly Invitae), Labcorp
Classification: Uncertain significance for Landau-Kleffner syndrome. Last evaluated: 2023-02-11. Review status: criteria provided, single submitter. Criteria: Invitae Variant Classification Sherloc (09022015). Collection method: clinical testing. Allele origin: germline.
Comment: In summary, the available evidence is currently insufficient to determine the role of this variant in disease. Therefore, it has been classified as a Variant of Uncertain Significance. Variants that disrupt the consensus splice site are a relatively common cause of aberrant splicing (PMID: 17576681, 9536098). Algorithms developed to predict the effect of sequence changes on RNA splicing suggest that this variant is not likely to affect RNA splicing. This variant has not been reported in the literature in individuals affected with GRIN2A-related conditions. This variant is present in population databases (no rsID available, gnomAD 0.006%). This sequence change falls in intron 7 of the GRIN2A gene. It does not directly change the encoded amino acid sequence of the GRIN2A protein. It affects a nucleotide within the consensus splice site.

Literature cited by the submitters: PubMed 17576681; PubMed 9536098.